The following is an entry in ClinVar:

ClinVar aggregate classification (germline): Pathogenic. Review status: criteria provided, multiple submitters, no conflicts (2 of 4 stars). 12 submissions from 10 submitters: Pathogenic (11). 1 of the submissions does not count toward it. Last evaluated 2026-04-23.

Conditions:
PEX1-related disorder. Also called: PEX1-related condition.
Zellweger spectrum disorders (ZS). Also called: Zellweger Spectrum Disorder; Zellweger Spectrum; Zellweger syndrome; Zellweger Spectrum Disorder (ZSD). Identifiers: Orphanet 912, MedGen C0043459, MONDO:0019609.
Peroxisome biogenesis disorder 1A (Zellweger) (PBD1A). Also called: Zellweger leukodystrophy; Peroxisome biogenesis disorder 1a. Identifiers: MedGen C4721541, MONDO:0008953, OMIM 214100.
Heimler syndrome 1 (HMLR1). Also called: PEROXISOME BIOGENESIS DISORDER 1C. Identifiers: Orphanet 3220, MedGen C4551980, OMIM 234580, MONDO:0024544.
Peroxisome biogenesis disorder 1B (PBD1B). Also called: PEROXISOME BIOGENESIS DISORDER (NALD/IRD); ADRENOLEUKODYSTROPHY, AUTOSOMAL NEONATAL; Refsum disease, infantile form; Infantile Refsum disease; Infantile form of phytanic acid storage disease; PEROXISOME BIOGENESIS DISORDER (NEONATAL ADRENOLEUKODYSTROPHY/INFANTILE REFSUM DISEASE). Identifiers: Orphanet 44, MedGen C0282527, MONDO:0011101, OMIM 601539.
Peroxisome biogenesis disorder. Identifiers: Orphanet 79189, MedGen C1832200, MONDO:0019234. Disease mechanism: loss of function.

Allele frequency attached by ClinVar (database versions not stated): gnomAD exomes 0.00002; TOPMed 0.00002; ExAC 0.00001; gnomAD 0.00001 and 0.00002.
gnomAD v4.1: 33 of 1,611,686 alleles (0.002%); highest among the groups gnomAD compares: Admixed American, 0.005%; no homozygotes.

Submissions (12):

Dasa
Classification: Pathogenic. Last evaluated: 2026-04-23. Review status: criteria provided, single submitter. Criteria: DASA Assertion Criteria. Collection method: clinical testing. Allele origin: germline.
Comment: NM_000466.3(PEX1):c.1239+1G>T introduces a premature termination codon predicted to result in loss of normal protein function. Loss-of-function is an established mechanism of disease for this gene. This variant has been observed in affected individuals with related phenotype in a genotype context consistent with recessive disease (PMID: 26387595). This variant has been reported in individuals with related phenotype (PMID: 26387595). The variant is present at low frequency in population datasets. Based on the available data, this variant is classified as pathogenic.

Natera, Inc.
Classification: Pathogenic for Zellweger syndrome. Last evaluated: 2025-11-21. Review status: criteria provided, single submitter. Criteria: Natera Variant Classification Schema (03/2026). Collection method: clinical testing. Allele origin: germline.
Comment: The c.1239+1G>T variant in PEX1 is a canonical splice donor site variant predicted to affect pre-mRNA splicing, which may result in an abnormal transcript and altered protein product. This variant is expected to result in nonsense mediated decay, truncation, or a dysfunctional protein product. This variant is rare in the general population with a frequency below the threshold expected for the associated phenotype(s). This variant has been observed in one or more individuals affected with the associated recessive disease, as either homozygous or compound heterozygous with a second variant (PMID: 19105186). Given the available evidence, this variant is classified as Pathogenic.

Labcorp Genetics (formerly Invitae), Labcorp
Classification: Pathogenic for Zellweger spectrum disorders. Last evaluated: 2025-06-22. Review status: criteria provided, single submitter. Criteria: Invitae Variant Classification Sherloc (09022015). Collection method: clinical testing. Allele origin: germline.
Comment: This sequence change affects a donor splice site in intron 5 of the PEX1 gene. It is expected to disrupt RNA splicing. Variants that disrupt the donor or acceptor splice site typically lead to a loss of protein function (PMID: 16199547), and loss-of-function variants in PEX1 are known to be pathogenic (PMID: 21031596, 26387595, 31831025). This variant is present in population databases (rs756876301, gnomAD 0.006%). Disruption of this splice site has been observed in individuals with peroxisomal biogenesis disorder (PMID: 19105186, 26387595). ClinVar contains an entry for this variant (Variation ID: 217430). Algorithms developed to predict the effect of sequence changes on RNA splicing suggest that this variant may disrupt the consensus splice site. For these reasons, this variant has been classified as Pathogenic.

PreventionGenetics, part of Exact Sciences
Classification: Pathogenic for PEX1-related condition. Last evaluated: 2025-05-28. Review status: criteria provided, single submitter. Criteria: ACMG Guidelines, 2015. Collection method: clinical testing. Allele origin: germline.
Comment: The PEX1 c.1239+1G>T variant is predicted to disrupt the GT donor site and interfere with normal splicing. This variant has been reported in multiple patients with peroxisomal biogenesis disorders, including Zellweger syndrome and Heimler syndrome (referred to as c.1240+1G>T in Yik et al. 2009. PubMed ID: 19105186; Ebberink et al. 2011. PubMed ID: 21031596; Ratbi et al. 2015. PubMed ID: 26387595; Gao et al. 2019. PubMed ID: 31831025). This variant is reported in 0.0058% of alleles in individuals of Latino descent in gnomAD. Variants that disrupt the consensus splice donor site in PEX1 are expected to be pathogenic. This variant is interpreted as pathogenic.

Fulgent Genetics
Classification: Pathogenic for Peroxisome biogenesis disorder 1A (Zellweger); Heimler syndrome 1; Peroxisome biogenesis disorder 1B. Last evaluated: 2024-03-07. Review status: criteria provided, single submitter. Criteria: ACMG Guidelines, 2015. Collection method: clinical testing. Allele origin: germline.

Baylor Genetics
Classification: Pathogenic for Heimler syndrome 1. Last evaluated: 2024-02-16. Review status: criteria provided, single submitter. Criteria: ACMG Guidelines, 2015. Collection method: clinical testing. Allele origin: unknown.

GeneDx
Classification: Pathogenic. Last evaluated: 2021-12-03. Review status: criteria provided, single submitter. Criteria: GeneDx Variant Classification Process June 2021. Collection method: clinical testing. Allele origin: germline. Affected: yes.
Comment: Identified with a frameshift variant in an individual suspected of having a peroxisomal biogenesis disorder (Yik et al., 2009); Canonical splice site variant predicted to result in a null allele in a gene for which loss-of-function is a known mechanism of disease; Not observed at a significant frequency in large population cohorts (Lek et al., 2016); This variant is associated with the following publications: (PMID: 26387595, 19105186)

Women's Health and Genetics/Laboratory Corporation of America, LabCorp
Classification: Pathogenic for Peroxisome biogenesis disorder. Last evaluated: 2021-05-19. Review status: criteria provided, single submitter. Criteria: LabCorp Variant Classification Summary - May 2015. Collection method: clinical testing. Allele origin: germline.
Comment: Variant summary: PEX1 c.1239+1G>T is located in a canonical splice-site and is predicted to affect mRNA splicing resulting in a significantly altered protein due to either exon skipping, shortening, or inclusion of intronic material. Several computational tools predict a significant impact on normal splicing: Three predict the variant abolishes a 5 splicing donor site. However, these predictions have yet to be confirmed by functional studies. The variant allele was found at a frequency of 1.6e-05 in 251132 control chromosomes (gnomAD). c.1239+1G>T has been reported in the literature in individuals affected with Zellweger Syndrome Spectrum disorders (e.g. Yik_2009, Ebberink_2011, Ratbi_2015). These data indicate that the variant may be associated with disease. To our knowledge, no experimental evidence demonstrating an impact on protein function has been reported. Four ClinVar submitters (evaluation after 2014) cite the variant as pathogenic. Based on the evidence outlined above, the variant was classified as pathogenic.

Baylor Genetics
Classification: Pathogenic for Peroxisome biogenesis disorder 1A (Zellweger). Last evaluated: 2020-01-31. Review status: criteria provided, single submitter. Criteria: ACMG Guidelines, 2015. Collection method: clinical testing. Allele origin: unknown. Affected: yes.
Comment: This variant was determined to be pathogenic according to ACMG Guidelines, 2015 [PMID:25741868].

Molecular Diagnostics Laboratory, M Health Fairview: University of Minnesota
Classification: Pathogenic for Peroxisome biogenesis disorder 1A (Zellweger). Last evaluated: 2017-11-27. Review status: criteria provided, single submitter. Criteria: ACMG Guidelines, 2015. Collection method: clinical testing. Allele origin: germline. Affected: yes. Observed: 1 variant allele.

Baylor Genetics
Classification: Pathogenic for Peroxisome biogenesis disorder 1A (Zellweger); Peroxisome biogenesis disorder 1B. Review status: criteria provided, single submitter. Criteria: ACMG Guidelines, 2015. Collection method: clinical testing. Allele origin: germline.

OMIM
Classification: Pathogenic for HEIMLER SYNDROME 1. Last evaluated: 2015-10-01. Review status: no assertion criteria provided. Collection method: literature only. Allele origin: germline. Not counted in ClinVar's aggregate classification.

Literature cited by the submitters: PubMed 26387595 (cited by 5 submitters); PubMed 19105186 (cited by 5 submitters); PubMed 16199547 (cited by Labcorp Genetics (formerly Invitae), Labcorp); PubMed 21031596 (cited by Labcorp Genetics (formerly Invitae), Labcorp and Women's Health and Genetics/Laboratory Corporation of America, LabCorp); PubMed 31831025 (cited by Labcorp Genetics (formerly Invitae), Labcorp).

NM_000466.3(PEX1):c.1239+1G>T

Gene: PEX1 (peroxisomal biogenesis factor 1; minus strand). Cytogenetic location: 7q21.2.
Variant type: single nucleotide variant.
Coding change: c.1239+1G>T on transcript NM_000466.3 (MANE Select); the canonical splice donor site of the intron after coding-DNA position 1239, G replaced by T.
Molecular consequence: splice donor variant.
Genome position (GRCh38, 1-based): chr7:92,517,275, C>A on the plus strand (G>T on the coding strand, the complement: PEX1 is on the minus strand). VCF-style: chr7-92517275-C-A. GRCh37 (hg19) VCF-style: chr7-92146589-C-A.
Other names: IVS5, G-T, +1; c.1239+1G>T (NM_001282677.2); c.615+1G>T (NM_001282678.2).
Identifiers: ClinVar variation 217430 (VCV000217430.27), dbSNP rs756876301, ClinGen allele CA210121.